The following is an entry in ClinVar:

ClinVar aggregate classification (germline): Uncertain significance (1 of 4 stars; one submission).

Submission:

Labcorp Genetics (formerly Invitae), Labcorp
Classification: Uncertain significance. Last evaluated: 2023-02-24. Review status: criteria provided, single submitter. Criteria: Invitae Variant Classification Sherloc (09022015). Collection method: clinical testing. Allele origin: germline.
Comment: This variant is a gross deletion of the genomic region encompassing exon(s) 12-27 of the GUCY2C gene, which includes the termination codon. This deletion extends beyond the assayed region for this gene and therefore may encompass additional genes. While this deletion is not anticipated to lead to nonsense mediated decay, it is expected to alter mRNA translation or result in a truncated protein product. This variant has not been reported in the literature in individuals affected with GUCY2C-related conditions. Experimental studies and prediction algorithms are not available or were not evaluated, and the functional significance of this variant is currently unknown. In summary, the available evidence is currently insufficient to determine the role of this variant in disease. Therefore, it has been classified as a Variant of Uncertain Significance.

NC_000012.11:g.(?_14766051)_(14809571_?)del

Gene: GUCY2C (guanylate cyclase 2C; minus strand). Cytogenetic location: 12p13.1-12.3.
Variant type: Deletion.
Identifiers: ClinVar variation 2425248 (VCV002425248.4).